The following is an entry in ClinVar:

ClinVar aggregate classification (germline): Uncertain significance (1 of 4 stars; one submission).

Conditions:
Hereditary spastic paraplegia 11. Also called: SPASTIC PARAPLEGIA, AUTOSOMAL RECESSIVE, COMPLICATED, WITH THIN CORPUS CALLOSUM; SPASTIC PARAPLEGIA, AUTOSOMAL RECESSIVE, WITH MENTAL IMPAIRMENT AND THIN CORPUS CALLOSUM; Nakamura Osame syndrome; Autosomal recessive hereditary spastic paraplegia, mental impairment, and thin corpus callosum; Spastic paraplegia, mental retardation and thin corpus callosum; Spastic Paraplegia 11. Identifiers: Orphanet 2822, MedGen C1858479, MONDO:0011445, OMIM 604360.

Allele frequency attached by ClinVar (database versions not stated): TOPMed below 0.00001; gnomAD exomes 0.00001; ExAC 0.00002.
gnomAD v4.1: 5 of 1,601,404 alleles (0.00031%); highest among the groups gnomAD compares: Non-Finnish European, 0.00043%; no homozygotes.

Submission:

Labcorp Genetics (formerly Invitae), Labcorp
Classification: Uncertain significance for Hereditary spastic paraplegia 11. Last evaluated: 2021-12-23. Review status: criteria provided, single submitter. Criteria: Invitae Variant Classification Sherloc (09022015). Collection method: clinical testing. Allele origin: germline.
Comment: This sequence change replaces leucine, which is neutral and non-polar, with valine, which is neutral and non-polar, at codon 2193 of the SPG11 protein (p.Leu2193Val). This variant is present in population databases (rs772999696, gnomAD 0.002%). This variant has not been reported in the literature in individuals affected with SPG11-related conditions. ClinVar contains an entry for this variant (Variation ID: 466558). Algorithms developed to predict the effect of missense changes on protein structure and function are either unavailable or do not agree on the potential impact of this missense change (SIFT: "Tolerated"; PolyPhen-2: "Possibly Damaging"; Align-GVGD: "Class C0"). Algorithms developed to predict the effect of sequence changes on RNA splicing suggest that this variant may create or strengthen a splice site. In summary, the available evidence is currently insufficient to determine the role of this variant in disease. Therefore, it has been classified as a Variant of Uncertain Significance.

NM_025137.4(SPG11):c.6577T>G (p.Leu2193Val)

Gene: SPG11 (SPG11 vesicle trafficking associated, spatacsin; minus strand). Cytogenetic location: 15q21.1.
Variant type: single nucleotide variant.
Coding change: c.6577T>G on transcript NM_025137.4 (MANE Select); coding-DNA position 6577, T replaced by G.
Protein change: p.Leu2193Val; replaces leucine 2193 with valine.
Molecular consequence: missense variant.
Genome position (GRCh38, 1-based): chr15:44,569,406, A>C on the plus strand (T>G on the coding strand, the complement: SPG11 is on the minus strand). VCF-style: chr15-44569406-A-C. GRCh37 (hg19) VCF-style: chr15-44861604-A-C.
Other names: c.6238T>G, p.Leu2080Val (NM_001160227.2); short protein forms L2193V, L2080V.
Identifiers: ClinVar variation 466558 (VCV000466558.8), dbSNP rs772999696, ClinGen allele CA7534080.